The following is an entry in ClinVar:

NM_001130987.2(DYSF):c.2392C>T (p.Arg798Cys)

Gene: DYSF (dysferlin; plus strand). Cytogenetic location: 2p13.2.
Variant type: single nucleotide variant.
Coding change: c.2392C>T on transcript NM_001130987.2 (MANE Select); coding-DNA position 2392, C replaced by T.
Protein change: p.Arg798Cys; replaces arginine 798 with cysteine.
Molecular consequence: missense variant.
Genome position (GRCh38, 1-based): chr2:71,561,927, C>T. VCF-style: chr2-71561927-C-T. GRCh37 (hg19) VCF-style: chr2-71789057-C-T.
Other names: c.2341C>T, p.Arg781Cys (NM_001130455.2, NM_001130983.2); c.2296C>T, p.Arg766Cys (NM_001130976.2, NM_001130977.2); c.2338C>T, p.Arg780Cys (NM_001130978.2, NM_003494.4); c.2431C>T, p.Arg811Cys (NM_001130979.2); c.2389C>T, p.Arg797Cys (NM_001130980.2, NM_001130981.2); c.2434C>T, p.Arg812Cys (NM_001130982.2); c.2299C>T, p.Arg767Cys (NM_001130984.2, NM_001130986.2); c.2392C>T, p.Arg798Cys (NM_001130985.2); short protein forms R780C, R811C, R766C, R767C, R781C, R798C, R797C, R812C.
Identifiers: ClinVar variation 970676 (VCV000970676.6), dbSNP rs377196032, ClinGen allele CA1706134.

ClinVar aggregate classification (germline): Uncertain significance. Review status: criteria provided, multiple submitters, no conflicts (2 of 4 stars). 3 submissions from 3 submitters: Uncertain significance (2). 1 of the submissions does not count toward it. Last evaluated 2025-05-02.

Conditions:
Autosomal recessive limb-girdle muscular dystrophy type 2B (LGMDR2). Also called: Limb-Girdle Muscular Dystrophy Type 2B (LGMD2B); MUSCULAR DYSTROPHY, LIMB-GIRDLE, TYPE 3; Limb-girdle muscular dystrophy, type 2B; MUSCULAR DYSTROPHY, LIMB-GIRDLE, AUTOSOMAL RECESSIVE 2. Identifiers: Orphanet 268, MedGen C1850889, MONDO:0009676, OMIM 253601.
Neuromuscular disease caused by qualitative or quantitative defects of dysferlin. Also called: Dysferlinopathy; Qualitative or quantitative defects of dysferlin. Identifiers: Orphanet 207073, MedGen C2931687, MONDO:0016145.

Allele frequency attached by ClinVar (database versions not stated): gnomAD 0.00003; gnomAD exomes 0.00004 and 0.00005; TOPMed 0.00004; ESP Exome Variant Server 0.00008; ExAC 0.00009.
gnomAD v4.1: 62 of 1,613,832 alleles (0.0038%); highest among the groups gnomAD compares: East Asian, 0.0067%; no homozygotes.

Submissions (3):

Revvity Omics, Revvity
Classification: Uncertain significance. Last evaluated: 2025-05-02. Review status: criteria provided, single submitter. Criteria: ACMG Guidelines, 2015. Collection method: clinical testing. Allele origin: germline.

Labcorp Genetics (formerly Invitae), Labcorp
Classification: Uncertain significance for Neuromuscular disease caused by qualitative or quantitative defects of dysferlin. Last evaluated: 2021-12-09. Review status: criteria provided, single submitter. Criteria: Invitae Variant Classification Sherloc (09022015). Collection method: clinical testing. Allele origin: germline.
Comment: This sequence change replaces arginine, which is basic and polar, with cysteine, which is neutral and slightly polar, at codon 780 of the DYSF protein (p.Arg780Cys). This variant is present in population databases (rs377196032, gnomAD 0.03%). This variant has not been reported in the literature in individuals affected with DYSF-related conditions. ClinVar contains an entry for this variant (Variation ID: 970676). Algorithms developed to predict the effect of missense changes on protein structure and function are either unavailable or do not agree on the potential impact of this missense change (SIFT: "Deleterious"; PolyPhen-2: "Possibly Damaging"; Align-GVGD: "Class C0"). In summary, the available evidence is currently insufficient to determine the role of this variant in disease. Therefore, it has been classified as a Variant of Uncertain Significance.

Natera, Inc.
Classification: Uncertain significance for Limb-girdle muscular dystrophy type 2B. Last evaluated: 2020-01-22. Review status: no assertion criteria provided. Collection method: clinical testing. Allele origin: germline. Not counted in ClinVar's aggregate classification.